The following is an entry in ClinVar:

ClinVar aggregate classification (germline): Uncertain significance (1 of 4 stars; one submission).

Conditions:
Nephronophthisis. Also called: Juvenile Nephronophthisis. Identifiers: Orphanet 655, MedGen C0687120, MONDO:0019005, HP:0000090.

Allele frequency attached by ClinVar (database versions not stated): TOPMed 0.00001.
gnomAD v4.1: 7 of 1,613,388 alleles (0.00043%); highest among the groups gnomAD compares: Non-Finnish European, 0.00025%; no homozygotes.

Submission:

Labcorp Genetics (formerly Invitae), Labcorp
Classification: Uncertain significance for Nephronophthisis. Last evaluated: 2024-11-05. Review status: criteria provided, single submitter. Criteria: Invitae Variant Classification Sherloc (09022015). Collection method: clinical testing. Allele origin: germline.
Comment: This sequence change replaces proline, which is neutral and non-polar, with alanine, which is neutral and non-polar, at codon 621 of the NPHP1 protein (p.Pro621Ala). This variant is present in population databases (no rsID available, gnomAD 0.0009%). This variant has not been reported in the literature in individuals affected with NPHP1-related conditions. ClinVar contains an entry for this variant (Variation ID: 943170). Invitae Evidence Modeling of protein sequence and biophysical properties (such as structural, functional, and spatial information, amino acid conservation, physicochemical variation, residue mobility, and thermodynamic stability) indicates that this missense variant is not expected to disrupt NPHP1 protein function with a negative predictive value of 80%. In summary, the available evidence is currently insufficient to determine the role of this variant in disease. Therefore, it has been classified as a Variant of Uncertain Significance.

NM_001128178.3(NPHP1):c.1693C>G (p.Pro565Ala)

Gene: NPHP1 (nephrocystin 1; minus strand). Cytogenetic location: 2q13.
Variant type: single nucleotide variant.
Coding change: c.1693C>G on transcript NM_001128178.3 (MANE Select); coding-DNA position 1693, C replaced by G.
Protein change: p.Pro565Ala; replaces proline 565 with alanine.
Molecular consequence: missense variant.
Genome position (GRCh38, 1-based): chr2:110,129,209, G>C on the plus strand (C>G on the coding strand, the complement: NPHP1 is on the minus strand). VCF-style: chr2-110129209-G-C. GRCh37 (hg19) VCF-style: chr2-110886786-G-C.
Other names: c.1861C>G, p.Pro621Ala (NM_000272.5); c.1504C>G, p.Pro502Ala (NM_001128179.3); c.1690C>G, p.Pro564Ala (NM_001374256.1); c.1693C>G, p.Pro565Ala (NM_001374257.1); c.1858C>G, p.Pro620Ala (NM_207181.4); short protein forms P502A, P565A, P620A, P621A, P564A.
Identifiers: ClinVar variation 943170 (VCV000943170.9), dbSNP rs147090619, ClinGen allele CA53523777.